The following is an entry in ClinVar:

NM_001429.4(EP300):c.4507T>C (p.Tyr1503His)

Gene: EP300 (EP300 lysine acetyltransferase; plus strand). Cytogenetic location: 22q13.2.
Variant type: single nucleotide variant.
Coding change: c.4507T>C on transcript NM_001429.4 (MANE Select); coding-DNA position 4507, T replaced by C.
Protein change: p.Tyr1503His; replaces tyrosine 1503 with histidine.
Molecular consequence: missense variant.
Genome position (GRCh38, 1-based): chr22:41,172,553, T>C. VCF-style: chr22-41172553-T-C. GRCh37 (hg19) VCF-style: chr22-41568557-T-C.
Other names: c.4429T>C, p.Tyr1477His (NM_001362843.2); short protein forms Y1477H, Y1503H.
Identifiers: ClinVar variation 3236129 (VCV003236129.1), dbSNP rs2517826687, ClinGen allele CA411702824.

ClinVar aggregate classification (germline): Uncertain significance (1 of 4 stars; one submission).

Conditions:
Rubinstein-Taybi syndrome due to EP300 haploinsufficiency. Also called: RUBINSTEIN-TAYBI SYNDROME 2; EP300-Related Rubinstein-Taybi Syndrome. Identifiers: Orphanet 353284, Orphanet 783, MedGen C3150941, MONDO:0013364, OMIM 613684.

Submission:

MVZ Medizinische Genetik Mainz
Classification: Uncertain significance for Rubinstein-Taybi syndrome due to EP300 haploinsufficiency. Last evaluated: 2022-08-25. Review status: criteria provided, single submitter. Criteria: UK Practice Guidelines For Variant Classification V4 01 2020. Collection method: clinical testing. Allele origin: germline. Inheritance: Autosomal dominant inheritance. Affected: yes. Observed: 1 variant allele.
Comment: ACMG Criteria: PM1,PM2_SUP,PP3